The following is an entry in ClinVar:

NM_000548.5(TSC2):c.5419G>T (p.Val1807Leu)

Gene: TSC2 (TSC complex subunit 2; plus strand). Cytogenetic location: 16p13.3.
Variant type: single nucleotide variant.
Coding change: c.5419G>T on transcript NM_000548.5 (MANE Select); coding-DNA position 5419, G replaced by T.
Protein change: p.Val1807Leu; replaces valine 1807 with leucine.
Molecular consequence: missense variant.
Genome position (GRCh38, 1-based): chr16:2,088,605, G>T. VCF-style: chr16-2088605-G-T. GRCh37 (hg19) VCF-style: chr16-2138606-G-T.
Other names: c.5218G>T, p.Val1740Leu (NM_001077183.3); c.5350G>T, p.Val1784Leu (NM_001114382.3); c.5110G>T, p.Val1704Leu (NM_001318827.2); c.5074G>T, p.Val1692Leu (NM_001318829.2); c.4687G>T, p.Val1563Leu (NM_001318831.2); c.5251G>T, p.Val1751Leu (NM_001318832.2); c.5221G>T, p.Val1741Leu (NM_001363528.2); c.5287G>T, p.Val1763Leu (NM_001370404.1); and 2 more; short protein forms V1807L, V1692L, V1741L, V1763L, V1784L, V1751L, V1704L, V1760L.
Identifiers: ClinVar variation 49374 (VCV000049374.9), dbSNP rs45486402, ClinGen allele CA022509.
Genomic context (GRCh38, chr16:2,088,605, plus strand): 5'-GGCTATGAGGTGGGCCAGCGGAAGCGCCTCATCTCCTCGGTGGAGGACTTCACCGAGTTT[G>T]TGTGAGGCCGGGGCCCTCCCTCCTGCACTGGCCTTGGACGGTATTGCCTGTCAGTGAAAT-3'
Protein context (NP_000539.2, residues 1797-1807): ISSVEDFTEF[Val1807Leu]

ClinVar aggregate classification (germline): Uncertain significance. Review status: criteria provided, multiple submitters, no conflicts (2 of 4 stars). 3 submissions from 3 submitters: Uncertain significance (2). 1 of the submissions does not count toward it. Last evaluated 2025-09-12.

Conditions:
Tuberous sclerosis syndrome (TSC). Also called: Tuberous Sclerosis Complex; Tuberous sclerosis. Identifiers: Orphanet 805, MedGen C0041341, MONDO:0001734.
Tuberous sclerosis 2 (TSC2). Identifiers: Orphanet 805, MedGen C1860707, MONDO:0013199, OMIM 613254.

gnomAD v4.1: 1 of 1,602,982 alleles (0.000062%); no homozygotes.

Submissions (3):

Dasa
Classification: Uncertain significance for Tuberous sclerosis 2. Last evaluated: 2025-09-12. Review status: criteria provided, single submitter. Criteria: DASA Assertion Criteria. Collection method: clinical testing. Allele origin: germline.
Comment: NM_000548.5(TSC2):c.5419G>T (p.Val1807Leu) is a missense variant that results in the substitution of valine with leucine. This variant is rare in population databases. Computational prediction algorithms are consistent with a deleterious effect. The currently available literature and clinical evidence are not sufficient to establish a definitive association between this variant and the reported condition. Therefore, this variant is classified as a variant of uncertain significance.

Labcorp Genetics (formerly Invitae), Labcorp
Classification: Uncertain significance for Tuberous sclerosis 2. Last evaluated: 2022-07-30. Review status: criteria provided, single submitter. Criteria: Invitae Variant Classification Sherloc (09022015). Collection method: clinical testing. Allele origin: germline.
Comment: This sequence change replaces valine, which is neutral and non-polar, with leucine, which is neutral and non-polar, at codon 1807 of the TSC2 protein (p.Val1807Leu). This variant is not present in population databases (gnomAD no frequency). This variant has not been reported in the literature in individuals affected with TSC2-related conditions. ClinVar contains an entry for this variant (Variation ID: 49374). Advanced modeling of protein sequence and biophysical properties (such as structural, functional, and spatial information, amino acid conservation, physicochemical variation, residue mobility, and thermodynamic stability) performed at Invitae indicates that this missense variant is not expected to disrupt TSC2 protein function. In summary, the available evidence is currently insufficient to determine the role of this variant in disease. Therefore, it has been classified as a Variant of Uncertain Significance.

Tuberous sclerosis database (TSC2)
No classification provided. Condition: TSC. Review status: no classification provided. Criteria: Tuberous Sclerosis Database Assertion Criteria 2015. Collection method: curation. Allele origin: germline. Affected: yes. Not counted in ClinVar's aggregate classification.